The following is an entry in ClinVar:

Conditions:
Breast-ovarian cancer, familial, susceptibility to, 1 (BROVCA1). Also called: BRCA1 Hereditary Breast and Ovarian Cancer; OVARIAN CANCER, SUSCEPTIBILITY TO. Identifiers: Orphanet 145, MedGen C2676676, MONDO:0011450, OMIM 604370. Disease mechanism: loss of function.

Submission:

Brotman Baty Institute, University of Washington
No classification provided (evidence only). Condition: Breast-ovarian cancer, familial 1. Review status: no classification provided. Collection method: in vitro. Allele origin: not applicable. Functional consequence: functionally_normal.
ClinVar note: "not provided" was previously submitted as the classification for the variant. However, the classification appeared to be based only on an observation of functional data so it was converted to no classification on 2025-07-30.

NM_007294.4(BRCA1):c.224A>C (p.Glu75Ala)

Gene: BRCA1 (BRCA1 DNA repair associated; minus strand). Cytogenetic location: 17q21.31.
Variant type: single nucleotide variant.
Coding change: c.224A>C on transcript NM_007294.4 (MANE Select); coding-DNA position 224, A replaced by C.
Protein change: p.Glu75Ala; replaces glutamic acid 75 with alanine.
Molecular consequence: missense variant. On other transcripts: non-coding transcript variant (1).
Genome position (GRCh38, 1-based): chr17:43,104,945, T>G on the plus strand (A>C on the coding strand, the complement: BRCA1 is on the minus strand). VCF-style: chr17-43104945-T-G. GRCh37 (hg19) VCF-style: chr17-41256962-T-G.
Other names: c.224A>C, p.Glu75Ala (NM_001408427.1, NM_001408428.1, NM_001408429.1 and 168 more transcripts); c.92A>C, p.Glu31Ala (NM_001408451.1); c.83A>C, p.Glu28Ala (NM_001408452.1, NM_001408453.1, NM_001408454.1 and 99 more transcripts); c.146A>C, p.Glu49Ala (NM_001408474.1, NM_001408475.1, NM_001408476.1 and 21 more transcripts); c.14A>C, p.Glu5Ala (NM_001408478.1, NM_001408479.1, NM_001408480.1 and 58 more transcripts); c.-158A>C (NM_001408510.1, NM_001408512.1, NM_001407959.1 and 4 more transcripts); short protein forms E28A, E75A, E31A, E5A, E49A.
Identifiers: ClinVar variation 867359 (VCV000867359.3), dbSNP rs2054695923, ClinGen allele CA10601715.
Genomic context (GRCh38, chr17:43,104,945, plus strand): 5'-AGCTGAAAAGCACAAATGATTTTCAATAGCTCTTCAACAAGTTGACTAAATCTCGTACTT[T>G]CTTGTAGGCTCCTGAAATTAAATTGTTTGAGAAACACACTCAGCAAGTGATTATCAACCT-3'
Protein context (NP_009225.1, residues 65-85): KNDITKRSLQ[Glu75Ala]STRFSQLVEE